The following is an entry in ClinVar:

ClinVar aggregate classification (germline): Likely benign. Review status: criteria provided, multiple submitters, no conflicts (2 of 4 stars). 2 submissions from 2 submitters: Likely benign (2). Last evaluated 2025-02-07.

Conditions:
UBTF-related disorder. Also called: UBTF-related condition.

gnomAD v4.1: 335 of 1,614,150 alleles (0.021%); highest among the groups gnomAD compares: African/African-American, 0.36%; no homozygotes.

Submissions (2):

PreventionGenetics, part of Exact Sciences
Classification: Likely benign for UBTF-related condition. Last evaluated: 2025-02-07. Review status: criteria provided, single submitter. Criteria: ACMG Guidelines, 2015. Collection method: clinical testing. Allele origin: germline.
Comment: This variant is classified as likely benign based on ACMG/AMP sequence variant interpretation guidelines (Richards et al. 2015 PMID: 25741868, with internal and published modifications).

Blueprint Genetics
Classification: Likely benign. Last evaluated: 2024-09-13. Review status: criteria provided, single submitter. Criteria: ACMG Guidelines, 2015. Collection method: clinical testing. Allele origin: germline.

NM_014233.4(UBTF):c.612G>A (p.Gln204=)

Genes: ATXN7L3-AS1 (ATXN7L3 antisense RNA 1; plus strand), UBTF (upstream binding transcription factor; minus strand). Cytogenetic location: 17q21.31.
Variant type: single nucleotide variant.
Coding change: c.612G>A on transcript NM_014233.4 (MANE Select); coding-DNA position 612, G replaced by A.
Protein change: p.Gln204=; no amino-acid change (glutamine 204 retained).
Molecular consequence: synonymous variant. On other transcripts: non-coding transcript variant (1).
Genome position (GRCh38, 1-based): chr17:44,212,867, C>T on the plus strand (G>A on the coding strand, the complement: UBTF is on the minus strand). VCF-style: chr17-44212867-C-T. GRCh37 (hg19) VCF-style: chr17-42290235-C-T.
Other names: c.612G>A (NM_014233.3); c.612G>A, p.Gln204= (NM_001076683.2, NM_001076684.3).
Identifiers: ClinVar variation 4935406 (VCV004935406.2).